The following is an entry in ClinVar:

ClinVar aggregate classification (germline): Uncertain significance. Review status: criteria provided, multiple submitters, no conflicts (2 of 4 stars). 4 submissions from 4 submitters: Uncertain significance (3). 1 of the submissions does not count toward it. Last evaluated 2026-04-07.

Conditions:
COL1A2-related disorder. Also called: COL1A2-Related Disorders; COL1A2-related condition.
Osteogenesis imperfecta type I (OI1). Also called: Lobstein's Disease; OI, TYPE I; OSTEOGENESIS IMPERFECTA TARDA; OSTEOGENESIS IMPERFECTA WITH BLUE SCLERAE; Osteogenesis imperfecta type 1; Lobstein disease. Identifiers: Orphanet 216796, Orphanet 666, MedGen C0023931, MONDO:0008146, OMIM 166200. Disease mechanism: loss of function.
Ehlers-Danlos syndrome, classic type, 1 (EDSCL1). Also called: Ehlers-Danlos syndrome, type 1; EHLERS-DANLOS SYNDROME, GRAVIS TYPE; EHLERS-DANLOS SYNDROME, SEVERE CLASSIC TYPE; EDS I; Ehlers-Danlos Syndrome, Classic Type, COL5A1-Related. Identifiers: MedGen C0268335, MONDO:0019567, OMIM 130000.

Allele frequency attached by ClinVar (database versions not stated): TOPMed 0.00002; gnomAD exomes 0.00001 and below 0.00001; gnomAD 0.00002; ExAC 0.00002.
gnomAD v4.1: 5 of 1,590,728 alleles (0.00031%); highest among the groups gnomAD compares: African/African-American, 0.0067%; no homozygotes.

Submissions (4):

Women's Health and Genetics/Laboratory Corporation of America, LabCorp
Classification: Uncertain significance. Last evaluated: 2026-04-07. Review status: criteria provided, single submitter. Criteria: LabCorp Variant Classification Summary - May 2015. Collection method: clinical testing. Allele origin: germline.

GeneDx
Classification: Uncertain significance. Last evaluated: 2020-05-06. Review status: criteria provided, single submitter. Criteria: GeneDx Variant Classification Process June 2021. Collection method: clinical testing. Allele origin: germline. Affected: yes.
Comment: Not observed at a significant frequency in large population cohorts (Lek et al., 2016); In silico analysis, which includes protein predictors and evolutionary conservation, supports a deleterious effect; Occurs in the triple helical domain at the Y position in the canonical Gly-X-Y repeat; although this variant may have an effect on normal protein folding and function, missense substitution at the Y position is not a common mechanism of disease (Stenson et al., 2014); Has not been previously published as pathogenic or benign to our knowledge

Labcorp Genetics (formerly Invitae), Labcorp
Classification: Uncertain significance for Osteogenesis imperfecta type I; Ehlers-Danlos syndrome, classic type, 1. Last evaluated: 2019-08-01. Review status: criteria provided, single submitter. Criteria: Invitae Variant Classification Sherloc (09022015). Collection method: clinical testing. Allele origin: germline.
Comment: In summary, the available evidence is currently insufficient to determine the role of this variant in disease. Therefore, it has been classified as a Variant of Uncertain Significance. Algorithms developed to predict the effect of missense changes on protein structure and function (SIFT, PolyPhen-2, Align-GVGD) all suggest that this variant is likely to be disruptive, but these predictions have not been confirmed by published functional studies and their clinical significance is uncertain. This variant has not been reported in the literature in individuals with COL1A2-related conditions. This variant is present in population databases (rs772238510, ExAC 0.02%). This sequence change replaces proline with leucine at codon 444 of the COL1A2 protein (p.Pro444Leu). The proline residue is highly conserved and there is a moderate physicochemical difference between proline and leucine.

PreventionGenetics, part of Exact Sciences
Classification: Uncertain significance for COL1A2-related condition. Last evaluated: 2024-03-19. Review status: no assertion criteria provided. Collection method: clinical testing. Allele origin: germline. Not counted in ClinVar's aggregate classification.
Comment: The COL1A2 c.1331C>T variant is predicted to result in the amino acid substitution p.Pro444Leu. To our knowledge, this variant has not been reported in the literature. This variant is reported in 0.015% of alleles in individuals of African descent in gnomAD. At this time, the clinical significance of this variant is uncertain due to the absence of conclusive functional and genetic evidence.

NM_000089.4(COL1A2):c.1331C>T (p.Pro444Leu)

Gene: COL1A2 (collagen type I alpha 2 chain; plus strand). Cytogenetic location: 7q21.3.
Variant type: single nucleotide variant.
Coding change: c.1331C>T on transcript NM_000089.4 (MANE Select); coding-DNA position 1331, C replaced by T.
Protein change: p.Pro444Leu; replaces proline 444 with leucine.
Molecular consequence: missense variant.
Genome position (GRCh38, 1-based): chr7:94,411,135, C>T. VCF-style: chr7-94411135-C-T. GRCh37 (hg19) VCF-style: chr7-94040447-C-T.
Other names: short protein forms P444L.
Identifiers: ClinVar variation 952358 (VCV000952358.15), dbSNP rs772238510, ClinGen allele CA4347004.